The following is an entry in ClinVar:

NM_001080477.4(TENM3):c.4395C>T (p.Tyr1465=)

Gene: TENM3 (teneurin transmembrane protein 3; plus strand). Cytogenetic location: 4q35.1.
Variant type: single nucleotide variant.
Coding change: c.4395C>T on transcript NM_001080477.4 (MANE Select); coding-DNA position 4395, C replaced by T.
Protein change: p.Tyr1465=; no amino-acid change (tyrosine 1465 retained).
Molecular consequence: synonymous variant.
Genome position (GRCh38, 1-based): chr4:182,754,762, C>T. VCF-style: chr4-182754762-C-T. GRCh37 (hg19) VCF-style: chr4-183675915-C-T.
Identifiers: ClinVar variation 744012 (VCV000744012.31), dbSNP rs201867735, ClinGen allele CA3148423.

ClinVar aggregate classification (germline): Likely benign. Review status: criteria provided, multiple submitters, no conflicts (2 of 4 stars). 2 submissions from 2 submitters: Likely benign (2). Last evaluated 2026-09-01.

Allele frequency attached by ClinVar (database versions not stated): 1000 Genomes Project 30x 0.00016; ESP Exome Variant Server 0.00016; 1000 Genomes Project 0.00020; gnomAD 0.00043 and 0.00045; TOPMed 0.00052; ExAC 0.00053; gnomAD exomes 0.00054 and 0.00063.
gnomAD v4.1: 984 of 1,614,070 alleles (0.061%); highest among the groups gnomAD compares: Admixed American, 0.095%; 1 homozygote.

Submissions (2):

CeGaT Center for Human Genetics Tuebingen
Classification: Likely benign. Last evaluated: 2026-09-01. Review status: criteria provided, single submitter. Criteria: CeGaT Center For Human Genetics Tuebingen Variant Classification Criteria Version 2. Collection method: clinical testing. Allele origin: germline. Affected: yes. Observed: 2 variant alleles.
Comment: TENM3: BP4, BP7

Labcorp Genetics (formerly Invitae), Labcorp
Classification: Likely benign. Last evaluated: 2025-09-22. Review status: criteria provided, single submitter. Criteria: Invitae Variant Classification Sherloc (09022015). Collection method: clinical testing. Allele origin: germline.